The following is an entry in ClinVar:

ClinVar aggregate classification (germline): Uncertain significance (1 of 4 stars; one submission).

Conditions:
Epidermolysis bullosa simplex 5C, with pyloric atresia (EBS5C). Also called: PLEC-Related Epidermolysis Bullosa with Pyloric Atresia; Epidermolysis bullosa simplex with pyloric atresia; PLEC1-Related Epidermolysis Bullosa with Pyloric Atresia. Identifiers: Orphanet 158684, MedGen C2677349, MONDO:0012807, OMIM 612138.
Epidermolysis bullosa simplex 5B, with muscular dystrophy (EBS5B). Also called: EPIDERMOLYSIS BULLOSA SIMPLEX AND LIMB-GIRDLE MUSCULAR DYSTROPHY; Epidermolysis bullosa simplex with muscular dystrophy. Identifiers: Orphanet 257, MedGen C2931072, MONDO:0009181, OMIM 226670.
Epidermolysis bullosa simplex, Ogna type (EBS5A). Also called: Pidermolysis bullosa simplex 5A, Ogna type; EPIDERMOLYSIS BULLOSA SIMPLEX 5A, OGNA TYPE. Identifiers: Orphanet 79401, MedGen C0432317, MONDO:0007555, OMIM 131950.
Autosomal recessive limb-girdle muscular dystrophy type 2Q (LGMDR17). Also called: MUSCULAR DYSTROPHY, LIMB-GIRDLE, AUTOSOMAL RECESSIVE 17. Identifiers: Orphanet 254361, MedGen C3150989, MONDO:0013390, OMIM 613723.
Epidermolysis bullosa simplex with nail dystrophy (EBS5D). Identifiers: MedGen C4225309, MONDO:0014661, OMIM 616487.

Allele frequency attached by ClinVar (database versions not stated): gnomAD exomes below 0.00001; gnomAD 0.00001.
gnomAD v4.1: 2 of 1,611,990 alleles (0.00012%); highest among the groups gnomAD compares: Non-Finnish European, 0.00017%; no homozygotes.

Submission:

Labcorp Genetics (formerly Invitae), Labcorp
Classification: Uncertain significance for Autosomal recessive limb-girdle muscular dystrophy type 2Q; Epidermolysis bullosa simplex, Ogna type; Epidermolysis bullosa simplex with nail dystrophy; Epidermolysis bullosa simplex 5C, with pyloric atresia; Epidermolysis bullosa simplex 5B, with muscular dystrophy. Last evaluated: 2021-10-15. Review status: criteria provided, single submitter. Criteria: Invitae Variant Classification Sherloc (09022015). Collection method: clinical testing. Allele origin: germline.
Comment: Algorithms developed to predict the effect of missense changes on protein structure and function are either unavailable or do not agree on the potential impact of this missense change (SIFT: "Deleterious"; PolyPhen-2: "Not Available"; Align-GVGD: "Class C65"). This sequence change replaces glutamic acid with valine at codon 1024 of the PLEC protein (p.Glu1024Val). The glutamic acid residue is highly conserved and there is a moderate physicochemical difference between glutamic acid and valine. This variant is not present in population databases (ExAC no frequency). This variant has not been reported in the literature in individuals affected with PLEC-related conditions. In summary, the available evidence is currently insufficient to determine the role of this variant in disease. Therefore, it has been classified as a Variant of Uncertain Significance.

NM_201384.3(PLEC):c.2990A>T (p.Glu997Val)

Gene: PLEC (plectin; minus strand). Cytogenetic location: 8q24.3.
Variant type: single nucleotide variant.
Coding change: c.2990A>T on transcript NM_201384.3 (MANE Select); coding-DNA position 2990, A replaced by T.
Protein change: p.Glu997Val; replaces glutamic acid 997 with valine.
Molecular consequence: missense variant.
Genome position (GRCh38, 1-based): chr8:143,929,505, T>A on the plus strand (A>T on the coding strand, the complement: PLEC is on the minus strand). VCF-style: chr8-143929505-T-A. GRCh37 (hg19) VCF-style: chr8-145003673-T-A.
Other names: c.3071A>T, p.Glu1024Val (NM_000445.5); c.2948A>T, p.Glu983Val (NM_201378.4); c.2924A>T, p.Glu975Val (NM_201379.3); c.3401A>T, p.Glu1134Val (NM_201380.4); c.2894A>T, p.Glu965Val (NM_201381.3); c.2990A>T, p.Glu997Val (NM_201382.4); c.3002A>T, p.Glu1001Val (NM_201383.3); short protein forms E1134V, E997V, E983V, E1001V, E1024V, E965V, E975V.
Identifiers: ClinVar variation 1370480 (VCV001370480.6), dbSNP rs1333530152, ClinGen allele CA372569936.